The following is an entry in ClinVar:

ClinVar aggregate classification (germline): Uncertain significance. Review status: criteria provided, single submitter (1 of 4 stars). 2 submissions from 2 submitters: Uncertain significance (1). 1 of the submissions does not count toward it. Last evaluated 2025-08-02.

Conditions:
NCOA1-related disorder. Also called: NCOA1-related condition.

Allele frequency attached by ClinVar (database versions not stated): ESP Exome Variant Server 0.00008; TOPMed 0.00010; gnomAD 0.00011.
gnomAD v4.1: 153 of 1,613,986 alleles (0.0095%); highest among the groups gnomAD compares: Non-Finnish European, 0.011%; no homozygotes.

Submissions (2):

Ambry Genetics
Classification: Uncertain significance. Last evaluated: 2025-08-02. Review status: criteria provided, single submitter. Criteria: Ambry Variant Classification Scheme 2023. Collection method: clinical testing. Allele origin: germline.

PreventionGenetics, part of Exact Sciences
Classification: Uncertain significance for NCOA1-related condition. Last evaluated: 2024-08-13. Review status: no assertion criteria provided. Collection method: clinical testing. Allele origin: germline. Not counted in ClinVar's aggregate classification.
Comment: The NCOA1 c.1259G>A variant is predicted to result in the amino acid substitution p.Arg420His. To our knowledge, this variant has not been reported in the literature. This variant is reported in 0.015% of alleles in individuals of European (Non-Finnish) descent in gnomAD, which may be too common to be a primary cause of disease. Although we suspect that this variant may be benign, at this time, the clinical significance of this variant is uncertain due to the absence of conclusive functional and genetic evidence.

NM_003743.5(NCOA1):c.1259G>A (p.Arg420His)

Gene: NCOA1 (nuclear receptor coactivator 1; plus strand). Cytogenetic location: 2p23.3.
Variant type: single nucleotide variant.
Coding change: c.1259G>A on transcript NM_003743.5 (MANE Select); coding-DNA position 1259, G replaced by A.
Protein change: p.Arg420His; replaces arginine 420 with histidine.
Molecular consequence: missense variant.
Genome position (GRCh38, 1-based): chr2:24,706,729, G>A. VCF-style: chr2-24706729-G-A. GRCh37 (hg19) VCF-style: chr2-24929598-G-A.
Other names: c.1259G>A, p.Arg420His (NM_001362950.1, NM_001362952.1, NM_001362954.1 and 3 more transcripts); short protein forms R420H.
Identifiers: ClinVar variation 2630790 (VCV002630790.4), dbSNP rs371834198, ClinGen allele CA1552224.